The following is an entry in ClinVar:

ClinVar aggregate classification (germline): Likely benign. Review status: criteria provided, multiple submitters, no conflicts (2 of 4 stars). 2 submissions from 2 submitters: Likely benign (2). Last evaluated 2025-11-22.

Conditions:
Danon disease. Also called: PSEUDOGLYCOGENOSIS II; GSD IIb; LYSOSOMAL GLYCOGEN STORAGE DISEASE WITHOUT ACID MALTASE DEFICIENCY; Glycogen Storage Disease Type IIb; ANTOPOL DISEASE. Identifiers: Orphanet 34587, MedGen C0878677, MONDO:0010281, OMIM 300257.

Allele frequency attached by ClinVar (database versions not stated): TOPMed 0.00001.

Submissions (2):

Labcorp Genetics (formerly Invitae), Labcorp
Classification: Likely benign for Danon disease. Last evaluated: 2025-11-22. Review status: criteria provided, single submitter. Criteria: Invitae Variant Classification Sherloc (09022015). Collection method: clinical testing. Allele origin: germline.

GeneDx
Classification: Likely benign. Last evaluated: 2015-10-29. Review status: criteria provided, single submitter. Criteria: GeneDx Variant Classification (06012015). Collection method: clinical testing. Allele origin: germline. Affected: yes.
Comment: This variant is considered likely benign or benign based on one or more of the following criteria: it is a conservative change, it occurs at a poorly conserved position in the protein, it is predicted to be benign by multiple in silico algorithms, and/or has population frequency not consistent with disease.

NM_002294.3(LAMP2):c.1093+9C>G

Gene: LAMP2 (lysosome associated membrane protein 2; minus strand). Cytogenetic location: Xq24.
Variant type: single nucleotide variant.
Coding change: c.1093+9C>G on transcript NM_002294.3 (MANE Select); 9 bases into the intron after coding-DNA position 1093, C replaced by G.
Molecular consequence: intron variant.
Genome position (GRCh38, 1-based): chrX:120,441,721, G>C on the plus strand (C>G on the coding strand, the complement: LAMP2 is on the minus strand). VCF-style: chrX-120441721-G-C. GRCh37 (hg19) VCF-style: chrX-119575576-G-C.
Other names: c.1093+9C>G (NM_001122606.1, NM_013995.2).
Identifiers: ClinVar variation 380997 (VCV000380997.5), dbSNP rs371259269, ClinGen allele CA16609119.